The following is an entry in ClinVar:

ClinVar aggregate classification (germline): Uncertain significance (1 of 4 stars; one submission).

Submission:

GeneDx
Classification: Uncertain significance. Last evaluated: 2024-08-07. Review status: criteria provided, single submitter. Criteria: GeneDx Variant Classification Process June 2021. Collection method: clinical testing. Allele origin: germline. Affected: yes.
Comment: Not observed at significant frequency in large population cohorts (gnomAD); In silico analysis indicates that this missense variant does not alter protein structure/function; Has not been previously published as pathogenic or benign to our knowledge

NM_003470.3(USP7):c.769C>T (p.Pro257Ser)

Gene: USP7 (ubiquitin specific peptidase 7; minus strand). Cytogenetic location: 16p13.2.
Variant type: single nucleotide variant.
Coding change: c.769C>T on transcript NM_003470.3 (MANE Select); coding-DNA position 769, C replaced by T.
Protein change: p.Pro257Ser; replaces proline 257 with serine.
Molecular consequence: missense variant. On other transcripts: non-coding transcript variant (1).
Genome position (GRCh38, 1-based): chr16:8,917,108, G>A on the plus strand (C>T on the coding strand, the complement: USP7 is on the minus strand). VCF-style: chr16-8917108-G-A. GRCh37 (hg19) VCF-style: chr16-9010965-G-A.
Other names: c.721C>T, p.Pro241Ser (NM_001286457.2); c.472C>T, p.Pro158Ser (NM_001286458.2); c.595C>T, p.Pro199Ser (NM_001321858.2); short protein forms P158S, P199S, P241S, P257S.
Identifiers: ClinVar variation 3602842 (VCV003602842.1).